The following is an entry in ClinVar:

NM_001195518.2(MICU1):c.772A>G (p.Met258Val)

Gene: MICU1 (mitochondrial calcium uptake 1; minus strand). Cytogenetic location: 10q22.1.
Variant type: single nucleotide variant.
Coding change: c.772A>G on transcript NM_001195518.2 (MANE Select); coding-DNA position 772, A replaced by G.
Protein change: p.Met258Val; replaces methionine 258 with valine.
Molecular consequence: missense variant.
Genome position (GRCh38, 1-based): chr10:72,475,261, T>C on the plus strand (A>G on the coding strand, the complement: MICU1 is on the minus strand). VCF-style: chr10-72475261-T-C. GRCh37 (hg19) VCF-style: chr10-74235019-T-C.
Other names: c.178A>G, p.Met60Val (NM_001195519.2); c.790A>G, p.Met264Val (NM_001363513.2); c.778A>G, p.Met260Val (NM_006077.4); short protein forms M258V, M264V, M60V, M260V.
Identifiers: ClinVar variation 1401292 (VCV001401292.5), dbSNP rs1002848820, ClinGen allele CA209795746.

ClinVar aggregate classification (germline): Uncertain significance (1 of 4 stars; one submission).

Allele frequency attached by ClinVar (database versions not stated): gnomAD exomes below 0.00001 and 0.00001; gnomAD 0.00001.
gnomAD v4.1: 14 of 1,609,110 alleles (0.00087%); highest among the groups gnomAD compares: East Asian, 0.0045%; no homozygotes.

Submission:

Labcorp Genetics (formerly Invitae), Labcorp
Classification: Uncertain significance. Last evaluated: 2022-06-27. Review status: criteria provided, single submitter. Criteria: Invitae Variant Classification Sherloc (09022015). Collection method: clinical testing. Allele origin: germline.
Comment: This sequence change replaces methionine, which is neutral and non-polar, with valine, which is neutral and non-polar, at codon 260 of the MICU1 protein (p.Met260Val). The frequency data for this variant in the population databases is considered unreliable, as metrics indicate poor data quality at this position in the gnomAD database. This variant has not been reported in the literature in individuals affected with MICU1-related conditions. Algorithms developed to predict the effect of missense changes on protein structure and function are either unavailable or do not agree on the potential impact of this missense change (SIFT: "Tolerated"; PolyPhen-2: "Not Available"; Align-GVGD: "Class C0"). In summary, the available evidence is currently insufficient to determine the role of this variant in disease. Therefore, it has been classified as a Variant of Uncertain Significance.